The following is an entry in ClinVar:

NM_002471.4(MYH6):c.3761T>C (p.Leu1254Pro)

Gene: MYH6 (myosin heavy chain 6; minus strand). Cytogenetic location: 14q11.2.
Variant type: single nucleotide variant.
Coding change: c.3761T>C on transcript NM_002471.4 (MANE Select); coding-DNA position 3761, T replaced by C.
Protein change: p.Leu1254Pro; replaces leucine 1254 with proline.
Molecular consequence: missense variant.
Genome position (GRCh38, 1-based): chr14:23,389,691, A>G on the plus strand (T>C on the coding strand, the complement: MYH6 is on the minus strand). VCF-style: chr14-23389691-A-G. GRCh37 (hg19) VCF-style: chr14-23858900-A-G.
Other names: short protein forms L1254P.
Identifiers: ClinVar variation 1363398 (VCV001363398.8), dbSNP rs2138591782, ClinGen allele CA389003845.

ClinVar aggregate classification (germline): Uncertain significance (1 of 4 stars; one submission).

Conditions:
Hypertrophic cardiomyopathy 14. Identifiers: MedGen C2750467, MONDO:0013197, OMIM 613251.

Allele frequency attached by ClinVar (database versions not stated): gnomAD exomes below 0.00001.
gnomAD v4.1: 1 of 1,614,196 alleles (0.000062%); highest among the groups gnomAD compares: Non-Finnish European, 0.000085%; no homozygotes.

Submission:

Labcorp Genetics (formerly Invitae), Labcorp
Classification: Uncertain significance for Hypertrophic cardiomyopathy 14. Last evaluated: 2022-06-20. Review status: criteria provided, single submitter. Criteria: Invitae Variant Classification Sherloc (09022015). Collection method: clinical testing. Allele origin: germline.
Comment: Algorithms developed to predict the effect of missense changes on protein structure and function are either unavailable or do not agree on the potential impact of this missense change (SIFT: "Deleterious"; PolyPhen-2: "Possibly Damaging"; Align-GVGD: "Class C0"). This sequence change replaces leucine, which is neutral and non-polar, with proline, which is neutral and non-polar, at codon 1254 of the MYH6 protein (p.Leu1254Pro). This variant is not present in population databases (gnomAD no frequency). This variant has not been reported in the literature in individuals affected with MYH6-related conditions. In summary, the available evidence is currently insufficient to determine the role of this variant in disease. Therefore, it has been classified as a Variant of Uncertain Significance.